The following is an entry in ClinVar:

ClinVar aggregate classification (germline): Likely benign. Review status: criteria provided, single submitter (1 of 4 stars). 2 submissions from 2 submitters: Likely benign (1). 1 of the submissions does not count toward it. Last evaluated 2026-01-24.

Conditions:
Cohen syndrome (COH1). Also called: Cutis verticis gyrata, retinitis pigmentosa, and sensorineural deafness; PEPPER SYNDROME. Identifiers: Orphanet 193, MedGen C0265223, MONDO:0008999, OMIM 216550.
VPS13B-related disorder. Also called: VPS13B-related condition.

Submissions (2):

Labcorp Genetics (formerly Invitae), Labcorp
Classification: Likely benign for Cohen syndrome. Last evaluated: 2026-01-24. Review status: criteria provided, single submitter. Criteria: Invitae Variant Classification Sherloc (09022015). Collection method: clinical testing. Allele origin: germline.

PreventionGenetics, part of Exact Sciences
Classification: Likely benign for VPS13B-related condition. Last evaluated: 2024-07-05. Review status: no assertion criteria provided. Collection method: clinical testing. Allele origin: germline. Not counted in ClinVar's aggregate classification.
Comment: This variant is classified as likely benign based on ACMG/AMP sequence variant interpretation guidelines (Richards et al. 2015 PMID: 25741868, with internal and published modifications).

NM_152564.5(VPS13B):c.3082+9C>A

Gene: VPS13B (vacuolar protein sorting 13 homolog B; plus strand). Cytogenetic location: 8q22.2.
Variant type: single nucleotide variant.
Coding change: c.3082+9C>A on transcript NM_152564.5 (MANE Select); 9 bases into the intron after coding-DNA position 3082, C replaced by A.
Molecular consequence: intron variant.
Genome position (GRCh38, 1-based): chr8:99,391,713, C>A. VCF-style: chr8-99391713-C-A. GRCh37 (hg19) VCF-style: chr8-100403941-C-A.
Other names: c.3082+9C>A (NM_152564.4, NM_017890.5).
Identifiers: ClinVar variation 3018315 (VCV003018315.4), dbSNP rs529476662, ClinGen allele CA915672060.